The following is an entry in ClinVar:

ClinVar aggregate classification (germline): Uncertain significance (1 of 4 stars; one submission).

Conditions:
Luscan-Lumish syndrome. Identifiers: Orphanet 597738, MedGen C4085873, MONDO:0014791, OMIM 616831.

Allele frequency attached by ClinVar (database versions not stated): TOPMed below 0.00001.
gnomAD v4.1: 19 of 1,609,602 alleles (0.0012%); highest among the groups gnomAD compares: Admixed American, 0.0017%; no homozygotes.

Submission:

Labcorp Genetics (formerly Invitae), Labcorp
Classification: Uncertain significance for Luscan-Lumish syndrome. Last evaluated: 2018-12-17. Review status: criteria provided, single submitter. Criteria: Invitae Variant Classification Sherloc (09022015). Collection method: clinical testing. Allele origin: germline.
Comment: This sequence change replaces arginine with glutamine at codon 1089 of the SETD2 protein (p.Arg1089Gln). The arginine residue is moderately conserved and there is a small physicochemical difference between arginine and glutamine. This variant is present in population databases (rs536163785, ExAC 0.01%). This variant has not been reported in the literature in individuals with SETD2-related conditions. Algorithms developed to predict the effect of missense changes on protein structure and function output the following: SIFT: "Tolerated"; PolyPhen-2: "Benign"; Align-GVGD: "Class C0". The glutamine amino acid residue is found in multiple mammalian species, suggesting that this missense change does not adversely affect protein function. These predictions have not been confirmed by published functional studies and their clinical significance is uncertain. Algorithms developed to predict the effect of sequence changes on RNA splicing suggest that this variant may create or strengthen a splice site, but this prediction has not been confirmed by published transcriptional studies. In summary, the available evidence is currently insufficient to determine the role of this variant in disease. Therefore, it has been classified as a Variant of Uncertain Significance.

NM_014159.7(SETD2):c.3266G>A (p.Arg1089Gln)

Gene: SETD2 (SET domain containing 2, histone lysine methyltransferase; minus strand). Cytogenetic location: 3p21.31.
Variant type: single nucleotide variant.
Coding change: c.3266G>A on transcript NM_014159.7 (MANE Select); coding-DNA position 3266, G replaced by A.
Protein change: p.Arg1089Gln; replaces arginine 1089 with glutamine.
Molecular consequence: missense variant. On other transcripts: non-coding transcript variant (1).
Genome position (GRCh38, 1-based): chr3:47,121,370, C>T on the plus strand (G>A on the coding strand, the complement: SETD2 is on the minus strand). VCF-style: chr3-47121370-C-T. GRCh37 (hg19) VCF-style: chr3-47162860-C-T.
Other names: c.3134G>A, p.Arg1045Gln (NM_001349370.3); short protein forms R1089Q, R1045Q.
Identifiers: ClinVar variation 650285 (VCV000650285.5), dbSNP rs536163785, ClinGen allele CA2363411.